The following is an entry in ClinVar:

NM_004525.3(LRP2):c.10394-17T>C

Gene: LRP2 (LDL receptor related protein 2; minus strand). Cytogenetic location: 2q31.1.
Variant type: single nucleotide variant.
Coding change: c.10394-17T>C on transcript NM_004525.3 (MANE Select); 17 bases into the intron before coding-DNA position 10394, T replaced by C.
Molecular consequence: intron variant.
Genome position (GRCh38, 1-based): chr2:169,176,605, A>G on the plus strand (T>C on the coding strand, the complement: LRP2 is on the minus strand). VCF-style: chr2-169176605-A-G. GRCh37 (hg19) VCF-style: chr2-170033115-A-G.
Identifiers: ClinVar variation 1943420 (VCV001943420.5), dbSNP rs2545734641, ClinGen allele CA2577157956.

ClinVar aggregate classification (germline): Uncertain significance (1 of 4 stars; one submission).

Submission:

Labcorp Genetics (formerly Invitae), Labcorp
Classification: Uncertain significance. Last evaluated: 2023-10-02. Review status: criteria provided, single submitter. Criteria: Invitae Variant Classification Sherloc (09022015). Collection method: clinical testing. Allele origin: germline.
Comment: This sequence change falls in intron 53 of the LRP2 gene. It does not directly change the encoded amino acid sequence of the LRP2 protein. This variant is not present in population databases (gnomAD no frequency). This variant has not been reported in the literature in individuals affected with LRP2-related conditions. ClinVar contains an entry for this variant (Variation ID: 1943420). Algorithms developed to predict the effect of sequence changes on RNA splicing suggest that this variant may create or strengthen a splice site. In summary, the available evidence is currently insufficient to determine the role of this variant in disease. Therefore, it has been classified as a Variant of Uncertain Significance.